The following is an entry in ClinVar:

ClinVar aggregate classification (germline): Uncertain significance (1 of 4 stars; one submission).

Submission:

Labcorp Genetics (formerly Invitae), Labcorp
Classification: Uncertain significance. Last evaluated: 2023-10-13. Review status: criteria provided, single submitter. Criteria: Invitae Variant Classification Sherloc (09022015). Collection method: clinical testing. Allele origin: unknown.
Comment: This variant results in a copy number gain of the genomic region encompassing exon(s) 1-2 of the KANK1 gene. This region includes the initiator codon of the gene. This copy number gain extends beyond the assayed region for this gene and therefore may encompass additional genes. As the precise location of this event is unknown, it may be in tandem or it may be located elsewhere in the genome. This variant has not been reported in the literature in individuals affected with KANK1-related conditions. In summary, the available evidence is currently insufficient to determine the role of this variant in disease. Therefore, it has been classified as a Variant of Uncertain Significance.

NC_000009.11:g.(?_304561)_(677029_?)dup

Genes: DOCK8 (dedicator of cytokinesis 8; plus strand), KANK1 (KN motif and ankyrin repeat domains 1; plus strand). Cytogenetic location: 9p24.3.
Variant type: Duplication.
Identifiers: ClinVar variation 3245348 (VCV003245348.1).